The following is an entry in ClinVar:

ClinVar aggregate classification (germline): Uncertain significance (1 of 4 stars; one submission).

Conditions:
Hereditary cancer-predisposing syndrome. Also called: Hereditary Cancer Syndrome; Hereditary neoplastic syndrome; Neoplastic Syndromes, Hereditary; Tumor predisposition. Identifiers: Orphanet 140162, MedGen C0027672, MeSH D009386, MONDO:0015356.

Submission:

Ambry Genetics
Classification: Uncertain significance for Hereditary cancer-predisposing syndrome. Last evaluated: 2025-06-24. Review status: criteria provided, single submitter. Criteria: Ambry Variant Classification Scheme 2023. Collection method: clinical testing. Allele origin: germline.
Comment: The p.Q3156H variant (also known as c.9468A>T), located in coding exon 24 of the BRCA2 gene, results from an A to T substitution at nucleotide position 9468. The glutamine at codon 3156 is replaced by histidine, an amino acid with highly similar properties. This amino acid position is conserved. In addition, the in silico prediction for this alteration is inconclusive. Based on the available evidence, the clinical significance of this variant remains unclear.

NM_000059.4(BRCA2):c.9468A>T (p.Gln3156His)

Gene: BRCA2 (BRCA2 DNA repair associated; plus strand). Cytogenetic location: 13q13.1.
Variant type: single nucleotide variant.
Coding change: c.9468A>T on transcript NM_000059.4 (MANE Select); coding-DNA position 9468, A replaced by T.
Protein change: p.Gln3156His; replaces glutamine 3156 with histidine.
Molecular consequence: missense variant. On other transcripts: non-coding transcript variant (1).
Genome position (GRCh38, 1-based): chr13:32,394,900, A>T. VCF-style: chr13-32394900-A-T. GRCh37 (hg19) VCF-style: chr13-32969037-A-T.
Other names: c.9372A>T, p.Gln3124His (NM_001406719.1); c.9417A>T, p.Gln3139His (NM_001406720.1); c.4536A>T, p.Gln1512His (NM_001406721.1); c.3051A>T, p.Gln1017His (NM_001406722.1); c.9468A>T, p.Gln3156His (NM_001432077.1); short protein forms Q3156H, Q3124H, Q1017H, Q3139H, Q1512H.
Identifiers: ClinVar variation 4215815 (VCV004215815.1).